The following is an entry in ClinVar:

ClinVar aggregate classification (germline): Pathogenic (1 of 4 stars; one submission).

Submission:

CeGaT Center for Human Genetics Tuebingen
Classification: Pathogenic. Last evaluated: 2026-07-01. Review status: criteria provided, single submitter. Criteria: CeGaT Center For Human Genetics Tuebingen Variant Classification Criteria Version 2. Collection method: clinical testing. Allele origin: germline. Affected: yes. Observed: 1 variant allele.
Comment: ZEB2: PVS1, PM2, PS2:Moderate

NM_014795.4(ZEB2):c.1326del (p.Met443fs)

Gene: ZEB2 (zinc finger E-box binding homeobox 2; minus strand). Cytogenetic location: 2q22.3.
Variant type: Deletion.
Coding change: c.1326del on transcript NM_014795.4 (MANE Select); coding-DNA position 1326, one base deleted (G; older notation c.1326delG).
Protein change: p.Met443fs; shifts the reading frame from methionine 443.
Molecular consequence: frameshift variant.
Genome position (GRCh38, 1-based): chr2:144,399,861, C deleted on the plus strand (G on the coding strand, the reverse complement: ZEB2 is on the minus strand); the first of 3 consecutive C bases (chr2:144,399,861-144,399,863); deleting any one gives the same sequence. VCF-style (leftmost placement, unchanged base first): chr2-144399860-TC-T. GRCh37 (hg19) VCF-style: chr2-145157427-TC-T.
Other names: c.1254del, p.Met419fs (NM_001171653.2); short protein forms M419fs, M443fs.
Identifiers: ClinVar variation 5040508 (VCV005040508.1).